The following is an entry in ClinVar:

ClinVar aggregate classification (germline): Uncertain significance. Review status: criteria provided, multiple submitters, no conflicts (2 of 4 stars). 2 submissions from 2 submitters: Uncertain significance (2). Last evaluated 2025-10-25.

Conditions:
Giant axonal neuropathy 1 (GAN1). Also called: GIANT AXONAL NEUROPATHY 1, AUTOSOMAL RECESSIVE; GAN-Related Neurodegeneration. Identifiers: Orphanet 643, MedGen C1850386, MONDO:0009749, OMIM 256850.
Inborn genetic diseases. Identifiers: MedGen C0950123, MeSH D030342.

Allele frequency attached by ClinVar (database versions not stated): gnomAD exomes below 0.00001; TOPMed below 0.00001; ExAC 0.00001; gnomAD 0.00001; ESP Exome Variant Server 0.00008.
gnomAD v4.1: 4 of 1,591,716 alleles (0.00025%); highest among the groups gnomAD compares: Non-Finnish European, 0.00034%; no homozygotes.

Submissions (2):

Ambry Genetics
Classification: Uncertain significance for Inborn genetic diseases. Last evaluated: 2025-10-25. Review status: criteria provided, single submitter. Criteria: Ambry Variant Classification Scheme 2023. Collection method: clinical testing. Allele origin: germline.

Labcorp Genetics (formerly Invitae), Labcorp
Classification: Uncertain significance for Giant axonal neuropathy 1. Last evaluated: 2023-06-17. Review status: criteria provided, single submitter. Criteria: Invitae Variant Classification Sherloc (09022015). Collection method: clinical testing. Allele origin: germline.
Comment: ClinVar contains an entry for this variant (Variation ID: 1751865). In summary, the available evidence is currently insufficient to determine the role of this variant in disease. Therefore, it has been classified as a Variant of Uncertain Significance. Advanced modeling of protein sequence and biophysical properties (such as structural, functional, and spatial information, amino acid conservation, physicochemical variation, residue mobility, and thermodynamic stability) performed at Invitae indicates that this missense variant is not expected to disrupt GAN protein function. This variant has not been reported in the literature in individuals affected with GAN-related conditions. This variant is present in population databases (rs146320394, gnomAD 0.0009%). This sequence change replaces histidine, which is basic and polar, with arginine, which is basic and polar, at codon 205 of the GAN protein (p.His205Arg).

NM_022041.4(GAN):c.614A>G (p.His205Arg)

Gene: GAN (gigaxonin; plus strand). Cytogenetic location: 16q23.2.
Variant type: single nucleotide variant.
Coding change: c.614A>G on transcript NM_022041.4 (MANE Select); coding-DNA position 614, A replaced by G.
Protein change: p.His205Arg; replaces histidine 205 with arginine.
Molecular consequence: missense variant. On other transcripts: 5 prime UTR variant (1).
Genome position (GRCh38, 1-based): chr16:81,354,736, A>G. VCF-style: chr16-81354736-A-G. GRCh37 (hg19) VCF-style: chr16-81388341-A-G.
Other names: c.-26A>G (NM_001377486.1); short protein forms H205R.
Identifiers: ClinVar variation 1751865 (VCV001751865.8), dbSNP rs146320394, ClinGen allele CA8191401.